The following is an entry in ClinVar:

ClinVar aggregate classification (germline): Uncertain significance (1 of 4 stars; one submission).

Conditions:
Christianson syndrome (MRXSCH). Also called: X-linked mental retardation, syndromic, Christianson type; SLC9A6-Related Syndromic Mental Retardation; INTELLECTUAL DEVELOPMENTAL DISORDER, X-LINKED, SYNDROMIC, CHRISTIANSON TYPE. Identifiers: Orphanet 85278, MedGen C2678194, MONDO:0010278, OMIM 300243.

Allele frequency attached by ClinVar (database versions not stated): gnomAD exomes 0.00001; TOPMed 0.00002.

Submission:

Labcorp Genetics (formerly Invitae), Labcorp
Classification: Uncertain significance for Christianson syndrome. Last evaluated: 2024-08-13. Review status: criteria provided, single submitter. Criteria: Invitae Variant Classification Sherloc (09022015). Collection method: clinical testing. Allele origin: germline.
Comment: This sequence change replaces glycine, which is neutral and non-polar, with arginine, which is basic and polar, at codon 554 of the SLC9A6 protein (p.Gly554Arg). The frequency data for this variant in the population databases is considered unreliable, as metrics indicate poor data quality at this position in the gnomAD database. This variant has not been reported in the literature in individuals affected with SLC9A6-related conditions. ClinVar contains an entry for this variant (Variation ID: 1413596). Advanced modeling of protein sequence and biophysical properties (such as structural, functional, and spatial information, amino acid conservation, physicochemical variation, residue mobility, and thermodynamic stability) performed at Invitae indicates that this missense variant is not expected to disrupt SLC9A6 protein function with a negative predictive value of 80%. In summary, the available evidence is currently insufficient to determine the role of this variant in disease. Therefore, it has been classified as a Variant of Uncertain Significance.

NM_001379110.1(SLC9A6):c.1690G>A (p.Gly564Arg)

Gene: SLC9A6 (solute carrier family 9 member A6; plus strand). Cytogenetic location: Xq26.3.
Variant type: single nucleotide variant.
Coding change: c.1690G>A on transcript NM_001379110.1 (MANE Select); coding-DNA position 1690, G replaced by A.
Protein change: p.Gly564Arg; replaces glycine 564 with arginine.
Molecular consequence: missense variant.
Genome position (GRCh38, 1-based): chrX:136,040,104, G>A. VCF-style: chrX-136040104-G-A. GRCh37 (hg19) VCF-style: chrX-135122263-G-A.
Other names: c.1756G>A, p.Gly586Arg (NM_001042537.2); c.1600G>A, p.Gly534Arg (NM_001177651.2); c.1504G>A, p.Gly502Arg (NM_001330652.2); c.1660G>A, p.Gly554Arg (NM_006359.3); short protein forms G502R, G554R, G586R, G534R, G564R.
Identifiers: ClinVar variation 1413596 (VCV001413596.8), dbSNP rs782196157, ClinGen allele CA414756037.